The following is an entry in ClinVar:

ClinVar aggregate classification (germline): Uncertain significance (1 of 4 stars; one submission).

Conditions:
Perlman syndrome (PRLMNS). Identifiers: Orphanet 2849, MedGen C0796113, MONDO:0009965, OMIM 267000.

Submission:

Labcorp Genetics (formerly Invitae), Labcorp
Classification: Uncertain significance for Perlman syndrome. Last evaluated: 2023-11-05. Review status: criteria provided, single submitter. Criteria: Invitae Variant Classification Sherloc (09022015). Collection method: clinical testing. Allele origin: germline.
Comment: This sequence change affects the initiator methionine of the DIS3L2 mRNA. The next in-frame methionine is located at codon 8. This variant is not present in population databases (gnomAD no frequency). This variant has not been reported in the literature in individuals affected with DIS3L2-related conditions. ClinVar contains an entry for this variant (Variation ID: 1363990). RNA analysis performed to evaluate the impact of disruption of the initiator codon on mRNA splicing indicates it does not significantly alter splicing (Invitae). In summary, the available evidence is currently insufficient to determine the role of this variant in disease. Therefore, it has been classified as a Variant of Uncertain Significance.

NM_152383.5(DIS3L2):c.1A>G (p.Met1Val)

Gene: DIS3L2 (DIS3 like 3'-5' exoribonuclease 2; plus strand). Cytogenetic location: 2q37.1.
Variant type: single nucleotide variant.
Coding change: c.1A>G on transcript NM_152383.5 (MANE Select); coding-DNA position 1, A replaced by G.
Protein change: p.Met1Val; changes the start codon (methionine 1).
Molecular consequence: missense variant, initiator codon variant. On other transcripts: non-coding transcript variant (2).
Genome position (GRCh38, 1-based): chr2:232,014,928, A>G. VCF-style: chr2-232014928-A-G. GRCh37 (hg19) VCF-style: chr2-232879638-A-G.
Other names: c.1A>G, p.Met1Val (NM_001257281.2, NM_001257282.2); short protein forms M1V.
Identifiers: ClinVar variation 1363990 (VCV001363990.6), dbSNP rs754758868, ClinGen allele CA351151012.
Genomic context (GRCh38, chr2:232,014,928, plus strand): 5'-CTGAGCTAAGCAGTGGAGGTTTCTCTGGATCTGGAGAGAAGAGTGACCTTGGAGCCAATA[A>G]TGAGCCATCCTGACTACAGAATGAACCTCCGGCCCCTGGGGACCCCCAGAGGTAGTAAAA-3'
Protein context (NP_689596.4, residues 1-11): [Met1Val]SHPDYRMNLR